The following is an entry in ClinVar:

NM_182961.4(SYNE1):c.14274A>G (p.Leu4758=)

Gene: SYNE1 (spectrin repeat containing nuclear envelope protein 1; minus strand). Cytogenetic location: 6q25.2.
Variant type: single nucleotide variant.
Coding change: c.14274A>G on transcript NM_182961.4 (MANE Select); coding-DNA position 14274, A replaced by G.
Protein change: p.Leu4758=; no amino-acid change (leucine 4758 retained).
Molecular consequence: synonymous variant.
Genome position (GRCh38, 1-based): chr6:152,330,411, T>C on the plus strand (A>G on the coding strand, the complement: SYNE1 is on the minus strand). VCF-style: chr6-152330411-T-C. GRCh37 (hg19) VCF-style: chr6-152651546-T-C.
Other names: c.14061A>G, p.Leu4687= (NM_033071.5); c.14274A>G (NM_182961.2).
Identifiers: ClinVar variation 1100760 (VCV001100760.11), dbSNP rs1454377562, ClinGen allele CA452971122.
Genomic context (GRCh38, chr6:152,330,411, plus strand): 5'-ACTGGTGGTGTCTTCTAATAAGCTAACCCTCTGTTCTGTTTGTCGCTTCAGCCTGTGATA[T>C]AAGGTGACAAGGTGCAGCATCTTGTCTGGCTGCCAAGGCTGACCTGTGCTGCGAAAACCT-3'
Protein context (NP_892006.3, residues 4748-4768): QPDKMLHLVT[Leu4758=]YHRLKRQTEQ

ClinVar aggregate classification (germline): Likely benign. Review status: criteria provided, multiple submitters, no conflicts (2 of 4 stars). 3 submissions from 3 submitters: Likely benign (3). Last evaluated 2026-08-01.

Conditions:
Autosomal recessive ataxia, Beauce type. Also called: Spinocerebellar ataxia, autosomal recessive 8; SYNE1 Deficiency; ATAXIA, RECESSIVE, OF BEAUCE; SYNE1-Related Autosomal Recessive Cerebellar Ataxia. Identifiers: Orphanet 88644, MedGen C1853116, MONDO:0012549, OMIM 610743.
Emery-Dreifuss muscular dystrophy 4, autosomal dominant (EDMD4). Also called: EMERY-DREIFUSS MUSCULAR DYSTROPHY 4 WITH VARIABLE FEATURES. Identifiers: Orphanet 261, MedGen C2751807, MONDO:0013071, OMIM 612998.

Allele frequency attached by ClinVar (database versions not stated): gnomAD exomes below 0.00001; TOPMed below 0.00001; gnomAD 0.00001.
gnomAD v4.1: 7 of 1,614,066 alleles (0.00043%); highest among the groups gnomAD compares: Non-Finnish European, 0.00059%; no homozygotes.

Submissions (3):

CeGaT Center for Human Genetics Tuebingen
Classification: Likely benign. Last evaluated: 2026-08-01. Review status: criteria provided, single submitter. Criteria: CeGaT Center For Human Genetics Tuebingen Variant Classification Criteria Version 2. Collection method: clinical testing. Allele origin: germline. Affected: yes. Observed: 1 variant allele.
Comment: SYNE1: BP4, BP7

Athena Diagnostics
Classification: Likely benign. Last evaluated: 2025-02-04. Review status: criteria provided, single submitter. Criteria: Athena Diagnostics Criteria. Collection method: clinical testing. Allele origin: unknown.
Comment: Computational tools yielded predictions that this variant is unlikely to have an effect on normal RNA splicing. This nucleotide position exhibits low evolutionary conservation.

Labcorp Genetics (formerly Invitae), Labcorp
Classification: Likely benign for Emery-Dreifuss muscular dystrophy 4, autosomal dominant; Autosomal recessive ataxia, Beauce type. Last evaluated: 2022-06-20. Review status: criteria provided, single submitter. Criteria: Invitae Variant Classification Sherloc (09022015). Collection method: clinical testing. Allele origin: germline.

Literature cited by the submitters: PubMed 27421018 (cited by Athena Diagnostics).